The following is an entry in ClinVar:

ClinVar aggregate classification (germline): Uncertain significance (1 of 4 stars; one submission).

Submission:

Labcorp Genetics (formerly Invitae), Labcorp
Classification: Uncertain significance. Last evaluated: 2025-12-08. Review status: criteria provided, single submitter. Criteria: Invitae Variant Classification Sherloc (09022015). Collection method: clinical testing. Allele origin: germline.
Comment: This sequence change replaces glycine, which is neutral and non-polar, with arginine, which is basic and polar, at codon 438 of the COL11A2 protein (p.Gly438Arg). This variant is not present in population databases (gnomAD no frequency). This variant has not been reported in the literature in individuals affected with COL11A2-related conditions. Invitae Evidence Modeling of protein sequence and biophysical properties (such as structural, functional, and spatial information, amino acid conservation, physicochemical variation, residue mobility, and thermodynamic stability) indicates that this missense variant is expected to disrupt COL11A2 protein function with a positive predictive value of 80%. Algorithms developed to predict the effect of sequence changes on RNA splicing suggest that this variant may disrupt the consensus splice site. In summary, the available evidence is currently insufficient to determine the role of this variant in disease. Therefore, it has been classified as a Variant of Uncertain Significance.

NM_080680.3(COL11A2):c.1312G>A (p.Gly438Arg)

Gene: COL11A2 (collagen type XI alpha 2 chain; minus strand). Cytogenetic location: 6p21.32.
Variant type: single nucleotide variant.
Coding change: c.1312G>A on transcript NM_080680.3 (MANE Select); coding-DNA position 1312, G replaced by A.
Protein change: p.Gly438Arg; replaces glycine 438 with arginine.
Molecular consequence: missense variant.
Genome position (GRCh38, 1-based): chr6:33,180,305, C>T on the plus strand (G>A on the coding strand, the complement: COL11A2 is on the minus strand). VCF-style: chr6-33180305-C-T. GRCh37 (hg19) VCF-style: chr6-33148082-C-T.
Other names: c.1132G>A, p.Gly378Arg (NM_001424108.1); c.466G>A, p.Gly156Arg (NM_001424109.1); c.286G>A, p.Gly96Arg (NM_001424110.1, NM_001424111.1); c.991G>A, p.Gly331Arg (NM_080679.3); c.1054G>A, p.Gly352Arg (NM_080681.3); short protein forms G378R, G96R, G156R, G352R, G331R, G438R.
Identifiers: ClinVar variation 4740241 (VCV004740241.1).
Genomic context (GRCh38, chr6:33,180,305, plus strand): 5'-AGAGACAACTCACTGGGAGCATGAGAGATGTGCCAGGAGGACCAGGAGCCCCATCTGATC[C>T]AGGGAGCCCTGCTCGGCCAGGGGGGCCCTGGAGTGGGAAGAGAATGCAAAAGATGGGGTG-3'
Protein context (NP_542411.2, residues 428-448): RGPPGRAGLP[Gly438Arg]SDGAPGPPGT